The following is an entry in ClinVar:

ClinVar aggregate classification (germline): Likely benign (1 of 4 stars; one submission).

Allele frequency attached by ClinVar (database versions not stated): TOPMed 0.00004; gnomAD 0.00008; ExAC 0.00064.
gnomAD v4.1: 120 of 1,397,096 alleles (0.0086%); highest among the groups gnomAD compares: South Asian, 0.022%; no homozygotes.

Submission:

CeGaT Center for Human Genetics Tuebingen
Classification: Likely benign. Last evaluated: 2023-05-01. Review status: criteria provided, single submitter. Criteria: CeGaT Center For Human Genetics Tuebingen Variant Classification Criteria Version 2. Collection method: clinical testing. Allele origin: germline. Affected: yes. Observed: 1 variant allele.
Comment: SOX4: BP4, BP7

NM_003107.3(SOX4):c.744G>C (p.Leu248=)

Gene: SOX4 (SRY-box transcription factor 4; plus strand). Cytogenetic location: 6p22.3.
Variant type: single nucleotide variant.
Coding change: c.744G>C on transcript NM_003107.3 (MANE Select); coding-DNA position 744, G replaced by C.
Protein change: p.Leu248=; no amino-acid change (leucine 248 retained).
Molecular consequence: synonymous variant.
Genome position (GRCh38, 1-based): chr6:21,595,278, G>C. VCF-style: chr6-21595278-G-C. GRCh37 (hg19) VCF-style: chr6-21595509-G-C.
Identifiers: ClinVar variation 2656275 (VCV002656275.24), dbSNP rs750549025, ClinGen allele CA3653620.